The following is an entry in ClinVar:

NM_000051.4(ATM):c.5645G>C (p.Arg1882Pro)

Gene: ATM (ATM serine/threonine kinase; plus strand). Cytogenetic location: 11q22.3.
Variant type: single nucleotide variant.
Coding change: c.5645G>C on transcript NM_000051.4 (MANE Select); coding-DNA position 5645, G replaced by C.
Protein change: p.Arg1882Pro; replaces arginine 1882 with proline.
Molecular consequence: missense variant.
Genome position (GRCh38, 1-based): chr11:108,304,823, G>C. VCF-style: chr11-108304823-G-C. GRCh37 (hg19) VCF-style: chr11-108175550-G-C.
Other names: c.5645G>C, p.Arg1882Pro (NM_001351834.2); short protein forms R1882P.
Identifiers: ClinVar variation 481068 (VCV000481068.21), dbSNP rs587782236, ClinGen allele CA382546469.
Genomic context (GRCh38, chr11:108,304,823, plus strand): 5'-TTTCTACACATGTTCAGGGATTTTTCACCAGCTGTCTTCGACACTTCTCGCAAACGAGCC[G>C]ATCCACAACCCCTGCAAACTTGGATTCAGGTATTCTATTAAATTTTTAACATTAATACTG-3'
Protein context (NP_000042.3, residues 1872-1892): SCLRHFSQTS[Arg1882Pro]STTPANLDSE

ClinVar aggregate classification (germline): Uncertain significance. Review status: criteria provided, multiple submitters, no conflicts (2 of 4 stars). 5 submissions from 5 submitters: Uncertain significance (4). 1 of the submissions does not count toward it. Last evaluated 2025-09-30.

Conditions:
Hereditary cancer-predisposing syndrome. Also called: Hereditary neoplastic syndrome; Neoplastic Syndromes, Hereditary; Tumor predisposition; Hereditary Cancer Syndrome. Identifiers: Orphanet 140162, MedGen C0027672, MeSH D009386, MONDO:0015356.
Ataxia-telangiectasia syndrome (AT). Also called: LOUIS-BAR SYNDROME; Cerebello-oculocutaneous telangiectasia; Immunodeficiency with ataxia telangiectasia; AT, COMPLEMENTATION GROUP C; Ataxia-telangiectasia, complementation group D; ATAXIA-TELANGIECTASIA, COMPLEMENTATION GROUP A. Identifiers: Orphanet 100, MedGen C0004135, MONDO:0008840, OMIM 208900.

Submissions (5):

Institute for Biomarker Research, Medical Diagnostic Laboratories, L.L.C.
Classification: Uncertain significance for Hereditary cancer-predisposing syndrome. Last evaluated: 2025-09-30. Review status: criteria provided, single submitter. Criteria: ACMG Guidelines, 2015. Collection method: clinical testing. Allele origin: germline.
Comment: The missense variant NM_000051.4(ATM):c.5645G>C (p.Arg1882Pro) has not been reported previously as a pathogenic variant nor as a benign variant, to our knowledge. There is a moderate physicochemical difference between arginine and proline. The gene ATM has a low rate of benign missense variation as indicated by a high missense variants Z-Score of 2.52. The p.Arg1882Pro missense variant is predicted to be damaging by both SIFT and PolyPhen2. The nucleotide c.5645 in ATM is predicted conserved by GERP++ and PhyloP across 100 vertebrates. For these reasons, this variant has been classified as Uncertain Significance.

Ambry Genetics
Classification: Uncertain significance for Hereditary cancer-predisposing syndrome. Last evaluated: 2025-03-19. Review status: criteria provided, single submitter. Criteria: Ambry Variant Classification Scheme 2023. Collection method: clinical testing. Allele origin: germline.
Comment: The p.R1882P variant (also known as c.5645G>C), located in coding exon 36 of the ATM gene, results from a G to C substitution at nucleotide position 5645. The arginine at codon 1882 is replaced by proline, an amino acid with dissimilar properties. This variant was reported in 0/60,466 breast cancer cases and in 1/53,461 controls (Dorling et al. N Engl J Med. 2021 02;384:428-439). This amino acid position is well conserved in available vertebrate species. In addition, the in silico prediction for this alteration is inconclusive. Based on the available evidence, the clinical significance of this variant remains unclear.

Labcorp Genetics (formerly Invitae), Labcorp
Classification: Uncertain significance for Ataxia-telangiectasia syndrome. Last evaluated: 2025-01-29. Review status: criteria provided, single submitter. Criteria: Invitae Variant Classification Sherloc (09022015). Collection method: clinical testing. Allele origin: germline.
Comment: This sequence change replaces arginine, which is basic and polar, with proline, which is neutral and non-polar, at codon 1882 of the ATM protein (p.Arg1882Pro). This variant is not present in population databases (gnomAD no frequency). This missense change has been observed in individual(s) with prostate cancer (PMID: 33436325). ClinVar contains an entry for this variant (Variation ID: 481068). Invitae Evidence Modeling of protein sequence and biophysical properties (such as structural, functional, and spatial information, amino acid conservation, physicochemical variation, residue mobility, and thermodynamic stability) indicates that this missense variant is not expected to disrupt ATM protein function with a negative predictive value of 95%. In summary, the available evidence is currently insufficient to determine the role of this variant in disease. Therefore, it has been classified as a Variant of Uncertain Significance.

Color Diagnostics, LLC DBA Color Health
Classification: Uncertain significance for Hereditary cancer-predisposing syndrome. Last evaluated: 2020-12-01. Review status: criteria provided, single submitter. Criteria: ACMG Guidelines, 2015. Collection method: clinical testing. Allele origin: germline.
Comment: This missense variant replaces arginine with proline at codon 1882 of the ATM protein. Computational prediction suggests that this variant may not impact protein structure and function (internally defined REVEL score threshold <= 0.5, PMID: 27666373). To our knowledge, functional studies have not been reported for this variant. This variant has not been reported in individuals affected with hereditary cancer in the literature. This variant has not been identified in the general population by the Genome Aggregation Database (gnomAD). The available evidence is insufficient to determine the role of this variant in disease conclusively. Therefore, this variant is classified as a Variant of Uncertain Significance.

Natera, Inc.
Classification: Uncertain significance for Ataxia-telangiectasia. Last evaluated: 2020-12-09. Review status: no assertion criteria provided. Collection method: clinical testing. Allele origin: germline. Not counted in ClinVar's aggregate classification.

Literature cited by the submitters: PubMed 33471991 (cited by Ambry Genetics); PubMed 33436325 (cited by Labcorp Genetics (formerly Invitae), Labcorp).